The following is an entry in ClinVar:

NM_020987.5(ANK3):c.5150A>G (p.Asn1717Ser)

Gene: ANK3 (ankyrin 3; minus strand). Cytogenetic location: 10q21.2.
Variant type: single nucleotide variant.
Coding change: c.5150A>G on transcript NM_020987.5 (MANE Select); coding-DNA position 5150, A replaced by G.
Protein change: p.Asn1717Ser; replaces asparagine 1717 with serine.
Molecular consequence: missense variant. On other transcripts: intron variant (4).
Genome position (GRCh38, 1-based): chr10:60,075,731, T>C on the plus strand (A>G on the coding strand, the complement: ANK3 is on the minus strand). VCF-style: chr10-60075731-T-C. GRCh37 (hg19) VCF-style: chr10-61835489-T-C.
Other names: c.4387+4806A>G (NM_001204403.2); c.4408+4806A>G (NM_001204404.2); c.4405+4806A>G (NM_001320874.2); c.1807+4806A>G (NM_001149.4); c.5150A>G (NM_020987.3); short protein forms N1717S.
Identifiers: ClinVar variation 1336431 (VCV001336431.8), dbSNP rs756186424, ClinGen allele CA5512051.

ClinVar aggregate classification (germline): Uncertain significance. Review status: criteria provided, multiple submitters, no conflicts (2 of 4 stars). 3 submissions from 3 submitters: Uncertain significance (3). Last evaluated 2026-05-19.

Conditions:
Inborn genetic diseases. Identifiers: MedGen C0950123, MeSH D030342.

Allele frequency attached by ClinVar (database versions not stated): gnomAD exomes 0.00001 and below 0.00001; TOPMed 0.00001; ExAC 0.00001.
gnomAD v4.1: 13 of 1,614,160 alleles (0.00081%); highest among the groups gnomAD compares: Admixed American, 0.0067%; no homozygotes.

Submissions (3):

Ambry Genetics
Classification: Uncertain significance for Inborn genetic diseases. Last evaluated: 2026-05-19. Review status: criteria provided, single submitter. Criteria: Ambry Variant Classification Scheme 2023. Collection method: clinical testing. Allele origin: germline.

Labcorp Genetics (formerly Invitae), Labcorp
Classification: Uncertain significance. Last evaluated: 2024-10-29. Review status: criteria provided, single submitter. Criteria: Invitae Variant Classification Sherloc (09022015). Collection method: clinical testing. Allele origin: germline.
Comment: This sequence change replaces asparagine, which is neutral and polar, with serine, which is neutral and polar, at codon 1717 of the ANK3 protein (p.Asn1717Ser). This variant is present in population databases (rs756186424, gnomAD 0.006%). This variant has not been reported in the literature in individuals affected with ANK3-related conditions. ClinVar contains an entry for this variant (Variation ID: 1336431). Invitae Evidence Modeling of protein sequence and biophysical properties (such as structural, functional, and spatial information, amino acid conservation, physicochemical variation, residue mobility, and thermodynamic stability) has been performed for this missense variant. However, the output from this modeling did not meet the statistical confidence thresholds required to predict the impact of this variant on ANK3 protein function. In summary, the available evidence is currently insufficient to determine the role of this variant in disease. Therefore, it has been classified as a Variant of Uncertain Significance.

Genetic Services Laboratory, University of Chicago
Classification: Uncertain significance. Last evaluated: 2019-05-20. Review status: criteria provided, single submitter. Criteria: ACMG Guidelines, 2015. Collection method: clinical testing. Allele origin: germline. Affected: no.